The following is an entry in ClinVar:

ClinVar aggregate classification (germline): Likely benign. Review status: criteria provided, multiple submitters, no conflicts (2 of 4 stars). 3 submissions from 3 submitters: Likely benign (3). Last evaluated 2024-05-29.

Conditions:
Hereditary nonpolyposis colorectal neoplasms. Identifiers: MedGen C0009405, MeSH D003123.
Hereditary cancer-predisposing syndrome. Also called: Neoplastic Syndromes, Hereditary; Tumor predisposition; Hereditary neoplastic syndrome; Hereditary Cancer Syndrome. Identifiers: Orphanet 140162, MedGen C0027672, MeSH D009386, MONDO:0015356.

Allele frequency attached by ClinVar (database versions not stated): TOPMed below 0.00001.

Submissions (3):

Ambry Genetics
Classification: Likely benign for Hereditary cancer-predisposing syndrome. Last evaluated: 2024-05-29. Review status: criteria provided, single submitter. Criteria: Ambry Variant Classification Scheme 2023. Collection method: clinical testing. Allele origin: germline.

Labcorp Genetics (formerly Invitae), Labcorp
Classification: Likely benign for Hereditary nonpolyposis colorectal neoplasms. Last evaluated: 2020-03-03. Review status: criteria provided, single submitter. Criteria: Invitae Variant Classification Sherloc (09022015). Collection method: clinical testing. Allele origin: germline.

GeneDx
Classification: Likely benign. Last evaluated: 2018-03-20. Review status: criteria provided, single submitter. Criteria: GeneDx Variant Classification (06012015). Collection method: clinical testing. Allele origin: germline. Affected: yes.
Comment: This variant is considered likely benign or benign based on one or more of the following criteria: it is a conservative change, it occurs at a poorly conserved position in the protein, it is predicted to be benign by multiple in silico algorithms, and/or has population frequency not consistent with disease.

NM_000535.7(PMS2):c.285T>C (p.Phe95=)

Gene: PMS2 (PMS1 homolog 2, mismatch repair system component; minus strand). Cytogenetic location: 7p22.1.
Variant type: single nucleotide variant.
Coding change: c.285T>C on transcript NM_000535.7 (MANE Select); coding-DNA position 285, T replaced by C.
Protein change: p.Phe95=; no amino-acid change (phenylalanine 95 retained).
Molecular consequence: synonymous variant. On other transcripts: 5 prime UTR variant (9), non-coding transcript variant (1), intron variant (2).
Genome position (GRCh38, 1-based): chr7:6,003,758, A>G on the plus strand (T>C on the coding strand, the complement: PMS2 is on the minus strand). VCF-style: chr7-6003758-A-G. GRCh37 (hg19) VCF-style: chr7-6043389-A-G.
Other names: c.-121T>C (NM_001322003.2, NM_001322004.2, NM_001322005.2 and 3 more transcripts); c.285T>C, p.Phe95= (NM_001322006.2, NM_001322014.2); c.-600T>C (NM_001322011.2, NM_001322012.2); c.-200T>C (NM_001322015.2); c.35+214T>C (NM_001322008.2, NM_001322007.2).
Identifiers: ClinVar variation 676791 (VCV000676791.10), dbSNP rs1583408820, ClinGen allele CA453647978.
Genomic context (GRCh38, chr7:6,003,758, plus strand): 5'-ACAAAGTGAGCTCAGAGCTTCCCCCCGAAAGCCAAAAGTTTCAACCTGAGTTAGGTCGGC[A>G]AACTCTTGAATCTTAGATGTGTGATGTTTCAGAGCTGAAAGAGAGTGTAAAGTAAGGACT-3'
Protein context (NP_000526.2, residues 85-105): LKHHTSKIQE[Phe95=]ADLTQVETFG